The following is an entry in ClinVar:

ClinVar aggregate classification (germline): Uncertain significance (1 of 4 stars; one submission).

Conditions:
Vici syndrome (VICIS). Identifiers: Orphanet 1493, MedGen C1855772, MONDO:0009452, OMIM 242840.

gnomAD v4.1: 5 of 1,533,806 alleles (0.00033%); highest among the groups gnomAD compares: Middle Eastern, 0.017%; no homozygotes.

Submission:

Labcorp Genetics (formerly Invitae), Labcorp
Classification: Uncertain significance for Vici syndrome. Last evaluated: 2024-02-23. Review status: criteria provided, single submitter. Criteria: Invitae Variant Classification Sherloc (09022015). Collection method: clinical testing. Allele origin: germline.
Comment: This sequence change replaces tyrosine, which is neutral and polar, with histidine, which is basic and polar, at codon 1407 of the EPG5 protein (p.Tyr1407His). The frequency data for this variant in the population databases is considered unreliable, as metrics indicate poor data quality at this position in the gnomAD database. This variant has not been reported in the literature in individuals affected with EPG5-related conditions. Advanced modeling of protein sequence and biophysical properties (such as structural, functional, and spatial information, amino acid conservation, physicochemical variation, residue mobility, and thermodynamic stability) has been performed at Invitae for this missense variant, however the output from this modeling did not meet the statistical confidence thresholds required to predict the impact of this variant on EPG5 protein function. In summary, the available evidence is currently insufficient to determine the role of this variant in disease. Therefore, it has been classified as a Variant of Uncertain Significance.

NM_020964.3(EPG5):c.4219T>C (p.Tyr1407His)

Gene: EPG5 (ectopic P-granules 5 autophagy tethering factor; minus strand). Cytogenetic location: 18q21.1.
Variant type: single nucleotide variant.
Coding change: c.4219T>C on transcript NM_020964.3 (MANE Select); coding-DNA position 4219, T replaced by C.
Protein change: p.Tyr1407His; replaces tyrosine 1407 with histidine.
Molecular consequence: missense variant.
Genome position (GRCh38, 1-based): chr18:45,908,068, A>G on the plus strand (T>C on the coding strand, the complement: EPG5 is on the minus strand). VCF-style: chr18-45908068-A-G. GRCh37 (hg19) VCF-style: chr18-43488033-A-G.
Other names: c.4219T>C, p.Tyr1407His (NM_001410858.1, NM_001410859.1); short protein forms Y1407H.
Identifiers: ClinVar variation 3663236 (VCV003663236.1).
Genomic context (GRCh38, chr18:45,908,068, plus strand): 5'-GTAGAGAAGGGATATAGGTATCTCCTTTTTGAAAATTCTCATCTTCTAGCCATAATATAT[A>G]TACATTGAAGAGCCTAAAAGATAAAAACATAATTATACGAAACATAAAAAGATGAGCATA-3'
Protein context (NP_066015.2, residues 1397-1417): HKELVRLFNV[Tyr1407His]ILWLEDENFQ